The following is an entry in ClinVar:

NM_001378454.1(ALMS1):c.22T>A (p.Trp8Arg)

Gene: ALMS1 (ALMS1 centrosome and basal body associated protein; plus strand). Cytogenetic location: 2p13.1.
Variant type: single nucleotide variant.
Coding change: c.22T>A on transcript NM_001378454.1 (MANE Select); coding-DNA position 22, T replaced by A.
Protein change: p.Trp8Arg; replaces tryptophan 8 with arginine.
Molecular consequence: missense variant.
Genome position (GRCh38, 1-based): chr2:73,385,890, T>A. VCF-style: chr2-73385890-T-A. GRCh37 (hg19) VCF-style: chr2-73613018-T-A.
Other names: c.22T>A, p.Trp8Arg (NM_015120.4); short protein forms W8R.
Identifiers: ClinVar variation 4708396 (VCV004708396.1).
Genomic context (GRCh38, chr2:73,385,890, plus strand): 5'-CTCCTCCTCCTCCTCTGCCGCCCAGAGCGAGACACCAACATGGAGCCCGAGGATCTGCCA[T>A]GGCCGGGCGAGCTGGAGGAGGAGGAGGAGGAGGAGGAGGAGGAGGAGGAGGAAGAGGAGG-3'
Protein context (NP_001365383.1, residues 1-18): MEPEDLP[Trp8Arg]PGELEEEEEE

ClinVar aggregate classification (germline): Uncertain significance (1 of 4 stars; one submission).

Conditions:
Alstrom syndrome (ALMS). Identifiers: Orphanet 64, MedGen C0268425, MONDO:0008763, OMIM 203800.

Submission:

Labcorp Genetics (formerly Invitae), Labcorp
Classification: Uncertain significance for Alstrom syndrome. Last evaluated: 2025-04-02. Review status: criteria provided, single submitter. Criteria: Invitae Variant Classification Sherloc (09022015). Collection method: clinical testing. Allele origin: germline.
Comment: This sequence change replaces tryptophan, which is neutral and slightly polar, with arginine, which is basic and polar, at codon 8 of the ALMS1 protein (p.Trp8Arg). This variant is not present in population databases (gnomAD no frequency). This variant has not been reported in the literature in individuals affected with ALMS1-related conditions. Experimental studies and prediction algorithms are not available or were not evaluated, and the functional significance of this variant is currently unknown. In summary, the available evidence is currently insufficient to determine the role of this variant in disease. Therefore, it has been classified as a Variant of Uncertain Significance.